The following is an entry in ClinVar:

NM_000353.3(TAT):c.*1056G>C

Genes: TAT (tyrosine aminotransferase; minus strand), TAT-AS1 (TAT antisense RNA 1; plus strand). Cytogenetic location: 16q22.2.
Variant type: single nucleotide variant.
Coding change: c.*1056G>C on transcript NM_000353.3 (MANE Select); 1056 bases downstream of the stop codon, G replaced by C.
Molecular consequence: 3 prime UTR variant.
Genome position (GRCh38, 1-based): chr16:71,567,088, C>G on the plus strand (G>C on the coding strand, the complement: TAT is on the minus strand). VCF-style: chr16-71567088-C-G. GRCh37 (hg19) VCF-style: chr16-71600991-C-G.
Identifiers: ClinVar variation 320388 (VCV000320388.5), dbSNP rs535439847, ClinGen allele CA10648886.

ClinVar aggregate classification (germline): Likely benign (1 of 4 stars; one submission).

Conditions:
Tyrosinemia type II (TYRSN2). Also called: KERATOSIS PALMOPLANTARIS WITH CORNEAL DYSTROPHY; OREGON TYPE TYROSINEMIA; TAT DEFICIENCY; TYROSINE AMINOTRANSFERASE DEFICIENCY; TYROSINE TRANSAMINASE DEFICIENCY. Identifiers: Orphanet 28378, MedGen C0268487, MONDO:0010160, OMIM 276600.

Allele frequency attached by ClinVar (database versions not stated): gnomAD 0.00001 and 0.00015; TOPMed 0.00003; 1000 Genomes Project 30x 0.00047; 1000 Genomes Project 0.00060.

Submission:

Illumina Laboratory Services, Illumina
Classification: Likely benign for Tyrosinemia type II. Last evaluated: 2018-01-12. Review status: criteria provided, single submitter. Criteria: ICSL Variant Classification Criteria 13 December 2019. Collection method: clinical testing. Allele origin: germline.
Comment: This variant was observed in the ICSL laboratory as part of a predisposition screen in an ostensibly healthy population. It had not been previously curated by ICSL or reported in the Human Gene Mutation Database (HGMD: prior to June 1st, 2018), and was therefore a candidate for classification through an automated scoring system. Utilizing variant allele frequency, disease prevalence and penetrance estimates, and inheritance mode, an automated score was calculated to assess if this variant is too frequent to cause the disease. Based on the score and internal cut-off values, a variant classified as likely benign is not then subjected to further curation. The score for this variant resulted in a classification of likely benign for this disease.